The following is an entry in ClinVar:

NM_030912.3(TRIM8):c.1318G>A (p.Val440Met)

Gene: TRIM8 (tripartite motif containing 8; plus strand). Cytogenetic location: 10q24.32.
Variant type: single nucleotide variant.
Coding change: c.1318G>A on transcript NM_030912.3 (MANE Select); coding-DNA position 1318, G replaced by A.
Protein change: p.Val440Met; replaces valine 440 with methionine.
Molecular consequence: missense variant. On other transcripts: non-coding transcript variant (1).
Genome position (GRCh38, 1-based): chr10:102,657,016, G>A. VCF-style: chr10-102657016-G-A. GRCh37 (hg19) VCF-style: chr10-104416773-G-A.
Other names: c.1222G>A, p.Val408Met (NM_001345950.1); short protein forms V408M, V440M.
Identifiers: ClinVar variation 3360531 (VCV003360531.1).

ClinVar aggregate classification (germline): Uncertain significance (1 of 4 stars; one submission).

gnomAD v4.1: 3 of 1,612,528 alleles (0.00019%); highest among the groups gnomAD compares: Non-Finnish European, 0.00025%; no homozygotes.

Submission:

GeneDx
Classification: Uncertain significance. Last evaluated: 2023-06-27. Review status: criteria provided, single submitter. Criteria: GeneDx Variant Classification Process June 2021. Collection method: clinical testing. Allele origin: germline. Affected: yes.
Comment: Not observed at significant frequency in large population cohorts (gnomAD); In silico analysis supports that this missense variant does not alter protein structure/function; Has not been previously published as pathogenic or benign to our knowledge